The following is an entry in ClinVar:

ClinVar aggregate classification (germline): Uncertain significance. Review status: criteria provided, multiple submitters, no conflicts (2 of 4 stars). 2 submissions from 2 submitters: Uncertain significance (2). Last evaluated 2025-08-23.

Conditions:
Hereditary cancer-predisposing syndrome. Also called: Tumor predisposition; Neoplastic Syndromes, Hereditary; Hereditary Cancer Syndrome; Hereditary neoplastic syndrome. Identifiers: Orphanet 140162, MedGen C0027672, MeSH D009386, MONDO:0015356.
Pheochromocytoma/paraganglioma syndrome 3. Also called: GLOMUS TUMORS, FAMILIAL, 3; SDHC-Related Hereditary Paraganglioma-Pheochromocytoma Syndrome; SDHC-Related Hereditary Paraganglioma-Pheochromocytoma Syndrome (Paragangliomas 3); Paragangliomas 3. Identifiers: Orphanet 29072, MedGen C1854336, MONDO:0011544, OMIM 605373.
Gastrointestinal stromal tumor. Also called: Gastrointestinal stroma tumor; Gastrointestinal stromal tumor, somatic. Identifiers: Orphanet 44890, MedGen C0238198, MeSH D046152, MONDO:0011719, OMIM 606764, HP:0100723.

Allele frequency attached by ClinVar (database versions not stated): TOPMed below 0.00001.

Submissions (2):

Ambry Genetics
Classification: Uncertain significance for Hereditary cancer-predisposing syndrome. Last evaluated: 2025-08-23. Review status: criteria provided, single submitter. Criteria: Ambry Variant Classification Scheme 2023. Collection method: clinical testing. Allele origin: germline.
Comment: The p.I145M variant (also known as c.435T>G), located in coding exon 6 of the SDHC gene, results from a T to G substitution at nucleotide position 435. The isoleucine at codon 145 is replaced by methionine, an amino acid with highly similar properties. This amino acid position is well conserved in available vertebrate species. In addition, the in silico prediction for this alteration is inconclusive. Since supporting evidence is limited at this time, the clinical significance of this alteration remains unclear.

Labcorp Genetics (formerly Invitae), Labcorp
Classification: Uncertain significance for Pheochromocytoma/paraganglioma syndrome 3; Gastrointestinal stromal tumor. Last evaluated: 2024-06-13. Review status: criteria provided, single submitter. Criteria: Invitae Variant Classification Sherloc (09022015). Collection method: clinical testing. Allele origin: germline.
Comment: This sequence change replaces isoleucine, which is neutral and non-polar, with methionine, which is neutral and non-polar, at codon 145 of the SDHC protein (p.Ile145Met). This variant is not present in population databases (gnomAD no frequency). This variant has not been reported in the literature in individuals affected with SDHC-related conditions. ClinVar contains an entry for this variant (Variation ID: 1740009). An algorithm developed to predict the effect of missense changes on protein structure and function (PolyPhen-2) suggests that this variant is likely to be disruptive. In summary, the available evidence is currently insufficient to determine the role of this variant in disease. Therefore, it has been classified as a Variant of Uncertain Significance.

NM_003001.5(SDHC):c.435T>G (p.Ile145Met)

Gene: SDHC (succinate dehydrogenase complex subunit C; plus strand). Cytogenetic location: 1q23.3.
Variant type: single nucleotide variant.
Coding change: c.435T>G on transcript NM_003001.5 (MANE Select); coding-DNA position 435, T replaced by G.
Protein change: p.Ile145Met; replaces isoleucine 145 with methionine.
Molecular consequence: missense variant.
Genome position (GRCh38, 1-based): chr1:161,362,358, T>G. VCF-style: chr1-161362358-T-G. GRCh37 (hg19) VCF-style: chr1-161332148-T-G.
Other names: c.271T>G, p.Ser91Ala (NM_001035511.3); c.333T>G, p.Ile111Met (NM_001035512.3); c.276T>G, p.Ile92Met (NM_001035513.3); c.169T>G, p.Ser57Ala (NM_001278172.3); c.555T>G, p.Ile185Met (NM_001407115.1); c.378T>G, p.Ile126Met (NM_001407116.1); c.372T>G, p.Ile124Met (NM_001407117.1); c.327T>G, p.Ile109Met (NM_001407118.1); and 2 more; short protein forms I108M, I92M, S57A, I185M, S72A, I109M, I111M, I145M.
Identifiers: ClinVar variation 1740009 (VCV001740009.8), dbSNP rs1186793566, ClinGen allele CA343457676.